The following is an entry in ClinVar:

NM_001127208.3(TET2):c.1936dup (p.Thr646fs)

Genes: TET2 (tet methylcytosine dioxygenase 2; plus strand), TET2-AS1 (TET2 antisense RNA 1; minus strand). Cytogenetic location: 4q24.
Variant type: Duplication.
Coding change: c.1936dup on transcript NM_001127208.3 (MANE Select); coding-DNA position 1936, one base duplicated (A; older notation c.1936dupA).
Protein change: p.Thr646fs; shifts the reading frame from threonine 646.
Molecular consequence: frameshift variant.
Genome position (GRCh38, 1-based): chr4:105,235,878, A duplicated. VCF-style (leftmost placement, unchanged base first): chr4-105235877-T-TA. GRCh37 (hg19) VCF-style: chr4-106157034-T-TA.
Other names: c.1936dup, p.Thr646fs (NM_017628.4); short protein forms T646fs.
Identifiers: ClinVar variation 5038916 (VCV005038916.1).

ClinVar aggregate classification (germline): Pathogenic (1 of 4 stars; one submission).

Submission:

CeGaT Center for Human Genetics Tuebingen
Classification: Pathogenic. Last evaluated: 2026-09-01. Review status: criteria provided, single submitter. Criteria: CeGaT Center For Human Genetics Tuebingen Variant Classification Criteria Version 2. Collection method: clinical testing. Allele origin: germline. Affected: yes. Observed: 1 variant allele.
Comment: TET2: PVS1, PM2